The following is an entry in ClinVar:

ClinVar aggregate classification (germline): Likely benign. Review status: criteria provided, multiple submitters, no conflicts (2 of 4 stars). 2 submissions from 2 submitters: Likely benign (2). Last evaluated 2024-11-10.

Conditions:
WNT4-related disorder. Also called: WNT4-related condition.

gnomAD v4.1: 32 of 1,614,064 alleles (0.002%); highest among the groups gnomAD compares: East Asian, 0.02%; no homozygotes.

Submissions (2):

Labcorp Genetics (formerly Invitae), Labcorp
Classification: Likely benign. Last evaluated: 2024-11-10. Review status: criteria provided, single submitter. Criteria: Invitae Variant Classification Sherloc (09022015). Collection method: clinical testing. Allele origin: germline.

PreventionGenetics, part of Exact Sciences
Classification: Likely benign for WNT4-related condition. Last evaluated: 2024-10-13. Review status: criteria provided, single submitter. Criteria: ACMG Guidelines, 2015. Collection method: clinical testing. Allele origin: germline.
Comment: This variant is classified as likely benign based on ACMG/AMP sequence variant interpretation guidelines (Richards et al. 2015 PMID: 25741868, with internal and published modifications).

NM_030761.5(WNT4):c.504G>A (p.Ser168=)

Gene: WNT4 (Wnt family member 4; minus strand). Cytogenetic location: 1p36.12.
Variant type: single nucleotide variant.
Coding change: c.504G>A on transcript NM_030761.5 (MANE Select); coding-DNA position 504, G replaced by A.
Protein change: p.Ser168=; no amino-acid change (serine 168 retained).
Molecular consequence: synonymous variant.
Genome position (GRCh38, 1-based): chr1:22,121,295, C>T on the plus strand (G>A on the coding strand, the complement: WNT4 is on the minus strand). VCF-style: chr1-22121295-C-T. GRCh37 (hg19) VCF-style: chr1-22447788-C-T.
Other names: c.504G>A (NM_030761.4).
Identifiers: ClinVar variation 3698599 (VCV003698599.3).